The following is an entry in ClinVar:

ClinVar aggregate classification (germline): Uncertain significance (1 of 4 stars; one submission).

Conditions:
TH-deficient dopa-responsive dystonia. Also called: Tyrosine Hydroxylase-Deficient Dopa-Responsive Dystonia; DYT-TH; Segawa syndrome, autosomal recessive. Identifiers: Orphanet 101150, MedGen C2673535, MONDO:0011551, OMIM 605407.

gnomAD v4.1: 3 of 1,604,338 alleles (0.00019%); highest among the groups gnomAD compares: Admixed American, 0.0017%; no homozygotes.

Submission:

Labcorp Genetics (formerly Invitae), Labcorp
Classification: Uncertain significance for TH-deficient dopa-responsive dystonia. Last evaluated: 2021-09-01. Review status: criteria provided, single submitter. Criteria: Invitae Variant Classification Sherloc (09022015). Collection method: clinical testing. Allele origin: germline.
Comment: This sequence change replaces arginine with serine at codon 61 of the TH protein (p.Arg61Ser). The arginine residue is weakly conserved and there is a moderate physicochemical difference between arginine and serine. This variant also falls at the last nucleotide of exon 2, which is part of the consensus splice site for this exon. This variant is not present in population databases (ExAC no frequency). This variant has not been reported in the literature in individuals affected with TH-related conditions. Algorithms developed to predict the effect of missense changes on protein structure and function (SIFT, PolyPhen-2, Align-GVGD) all suggest that this variant is likely to be tolerated. Variants that disrupt the consensus splice site are a relatively common cause of aberrant splicing (PMID: 17576681, 9536098). Algorithms developed to predict the effect of sequence changes on RNA splicing suggest that this variant may disrupt the consensus splice site. In summary, the available evidence is currently insufficient to determine the role of this variant in disease. Therefore, it has been classified as a Variant of Uncertain Significance.

Literature cited by the submitters: PubMed 17576681; PubMed 9536098.

NM_000360.4(TH):c.91-819G>T

Gene: TH (tyrosine hydroxylase; minus strand). Cytogenetic location: 11p15.5.
Variant type: single nucleotide variant.
Coding change: c.91-819G>T on transcript NM_000360.4 (MANE Select); 819 bases into the intron before coding-DNA position 91, G replaced by T.
Molecular consequence: intron variant. On other transcripts: missense variant (2).
Genome position (GRCh38, 1-based): chr11:2,170,690, C>A on the plus strand (G>T on the coding strand, the complement: TH is on the minus strand). VCF-style: chr11-2170690-C-A. GRCh37 (hg19) VCF-style: chr11-2191920-C-A.
Other names: c.183G>T, p.Arg61Ser (NM_199292.3); c.171G>T, p.Arg57Ser (NM_199293.3); short protein forms R57S, R61S.
Identifiers: ClinVar variation 658667 (VCV000658667.7), dbSNP rs1330998143, ClinGen allele CA379112566.